The following is an entry in ClinVar:

ClinVar aggregate classification (germline): Uncertain significance (1 of 4 stars; one submission).

Conditions:
Primary ciliary dyskinesia 28. Also called: CILIARY DYSKINESIA, PRIMARY, 28, WITH OR WITHOUT SITUS INVERSUS. Identifiers: Orphanet 244, MedGen C3809706, MONDO:0014216, OMIM 615505.

Allele frequency attached by ClinVar (database versions not stated): gnomAD 0.00001; gnomAD exomes 0.00001; TOPMed 0.00002.
gnomAD v4.1: 13 of 1,612,400 alleles (0.00081%); highest among the groups gnomAD compares: Admixed American, 0.0033%; no homozygotes.

Submission:

Labcorp Genetics (formerly Invitae), Labcorp
Classification: Uncertain significance for Primary ciliary dyskinesia 28. Last evaluated: 2022-05-03. Review status: criteria provided, single submitter. Criteria: Invitae Variant Classification Sherloc (09022015). Collection method: clinical testing. Allele origin: germline.
Comment: This sequence change replaces isoleucine, which is neutral and non-polar, with threonine, which is neutral and polar, at codon 897 of the SPAG1 protein (p.Ile897Thr). This variant is present in population databases (no rsID available, gnomAD 0.006%). This variant has not been reported in the literature in individuals affected with SPAG1-related conditions. Algorithms developed to predict the effect of missense changes on protein structure and function output the following: SIFT: "Deleterious"; PolyPhen-2: "Benign"; Align-GVGD: "Class C0". The threonine amino acid residue is found in multiple mammalian species, which suggests that this missense change does not adversely affect protein function. In summary, the available evidence is currently insufficient to determine the role of this variant in disease. Therefore, it has been classified as a Variant of Uncertain Significance.

NM_003114.5(SPAG1):c.2690T>C (p.Ile897Thr)

Gene: SPAG1 (sperm associated antigen 1; plus strand). Cytogenetic location: 8q22.2.
Variant type: single nucleotide variant.
Coding change: c.2690T>C on transcript NM_003114.5 (MANE Select); coding-DNA position 2690, T replaced by C.
Protein change: p.Ile897Thr; replaces isoleucine 897 with threonine.
Molecular consequence: missense variant.
Genome position (GRCh38, 1-based): chr8:100,240,931, T>C. VCF-style: chr8-100240931-T-C. GRCh37 (hg19) VCF-style: chr8-101253159-T-C.
Other names: c.2690T>C, p.Ile897Thr (NM_001374321.1, NM_172218.3); short protein forms I897T.
Identifiers: ClinVar variation 2160156 (VCV002160156.1), dbSNP rs911589706, ClinGen allele CA182369874.